The following is an entry in ClinVar:

ClinVar aggregate classification (germline): Conflicting classifications of pathogenicity. Review status: criteria provided, conflicting classifications (1 of 4 stars). 5 submissions from 5 submitters: Uncertain significance (1); Likely benign (4). Last evaluated 2026-09-01.

Conditions:
Myopathy due to calsequestrin and SERCA1 protein overload. Also called: Myopathy, vacuolar, with casq1 aggregates. Identifiers: Orphanet 88635, MedGen C4015624, MONDO:0014546, OMIM 616231.

Allele frequency attached by ClinVar (database versions not stated): 1000 Genomes Project 30x 0.00047; 1000 Genomes Project 0.00060; gnomAD exomes 0.00092 and 0.00150; ExAC 0.00097; TOPMed 0.00104; gnomAD 0.00106 and 0.00109; ESP Exome Variant Server 0.00154.
gnomAD v4.1: 2,338 of 1,613,614 alleles (0.14%); highest among the groups gnomAD compares: Non-Finnish European, 0.18%; 5 homozygotes.

Submissions (6):

CeGaT Center for Human Genetics Tuebingen
Classification: Likely benign. Last evaluated: 2026-09-01. Review status: criteria provided, single submitter. Criteria: CeGaT Center For Human Genetics Tuebingen Variant Classification Criteria Version 2. Collection method: clinical testing. Allele origin: germline. Affected: yes. Observed: 3 variant alleles.
Comment: CASQ1: BS1

Labcorp Genetics (formerly Invitae), Labcorp
Classification: Likely benign. Last evaluated: 2026-01-27. Review status: criteria provided, single submitter. Criteria: Invitae Variant Classification Sherloc (09022015). Collection method: clinical testing. Allele origin: germline.

Laboratory of Genetics, Children's Clinical University Hospital Latvia
Classification: Likely benign. Last evaluated: 2025-02-16. Review status: criteria provided, single submitter. Criteria: ACMG Guidelines, 2015. Collection method: clinical testing. Allele origin: germline. Affected: yes.

Blueprint Genetics
Classification: Likely benign. Last evaluated: 2024-10-23. Review status: criteria provided, single submitter. Criteria: ACMG Guidelines, 2015. Collection method: clinical testing. Allele origin: germline.

Department of Pathology and Laboratory Medicine, Sinai Health System
Classification: Uncertain significance for Myopathy due to calsequestrin and SERCA1 protein overload. Last evaluated: 2022-11-03. Review status: criteria provided, single submitter. Criteria: ACMG Guidelines, 2015. Collection method: research. Allele origin: germline.

Dr. Peter K. Rogan Lab, Western University
No classification provided (evidence only). Condition: Familial cancer of breast. Review status: no classification provided. Collection method: in vitro. Allele origin: not applicable. Functional consequence: cryptic splice site. Not counted in ClinVar's aggregate classification.

NM_001231.5(CASQ1):c.280-1G>C

Gene: CASQ1 (calsequestrin 1; plus strand). Cytogenetic location: 1q23.2.
Variant type: single nucleotide variant.
Coding change: c.280-1G>C on transcript NM_001231.5 (MANE Select); the canonical splice acceptor site of the intron before coding-DNA position 280, G replaced by C.
Molecular consequence: splice acceptor variant.
Genome position (GRCh38, 1-based): chr1:160,192,801, G>C. VCF-style: chr1-160192801-G-C. GRCh37 (hg19) VCF-style: chr1-160162591-G-C.
Identifiers: ClinVar variation 732718 (VCV000732718.23), dbSNP rs145486953, ClinGen allele CA1196133.